The following is an entry in ClinVar:

NM_004595.5(SMS):c.264+105A>G

Gene: SMS (spermine synthase; plus strand). Cytogenetic location: Xp22.11.
Variant type: single nucleotide variant.
Coding change: c.264+105A>G on transcript NM_004595.5 (MANE Select); 105 bases into the intron after coding-DNA position 264, A replaced by G.
Molecular consequence: intron variant.
Genome position (GRCh38, 1-based): chrX:21,972,095, A>G. VCF-style: chrX-21972095-A-G. GRCh37 (hg19) VCF-style: chrX-21990213-A-G.
Other names: c.170+4779A>G (NM_001258423.2).
Identifiers: ClinVar variation 1684107 (VCV001684107.3), dbSNP rs45451996, ClinGen allele CA327512035.

ClinVar aggregate classification (germline): Likely benign. Review status: criteria provided, multiple submitters, no conflicts (2 of 4 stars). 2 submissions from 2 submitters: Likely benign (2). Last evaluated 2021-05-16.

Allele frequency attached by ClinVar (database versions not stated): 1000 Genomes Project 30x 0.01498; 1000 Genomes Project 0.01536; TOPMed 0.02353; gnomAD 0.02607 and 0.02662; gnomAD exomes 0.03664.
gnomAD v4.1: 20,612 of 597,260 alleles (3.5%); highest among the groups gnomAD compares: Non-Finnish European, 4.6%; 321 homozygotes.

Submissions (2):

GeneDx
Classification: Likely benign. Last evaluated: 2021-05-16. Review status: criteria provided, single submitter. Criteria: GeneDx Variant Classification Process June 2021. Collection method: clinical testing. Allele origin: germline. Affected: yes.
Comment: See Variant Classification Assertion Criteria.

Breakthrough Genomics
Classification: Likely benign. Review status: criteria provided, single submitter. Criteria: ACMG Guidelines, 2015. Collection method: not provided. Allele origin: germline. Inheritance: X-linked inheritance. Affected: yes.